The following is an entry in ClinVar:

NM_024757.5(EHMT1):c.1501+3G>C

Gene: EHMT1 (euchromatic histone lysine methyltransferase 1; plus strand). Cytogenetic location: 9q34.3.
Variant type: single nucleotide variant.
Coding change: c.1501+3G>C on transcript NM_024757.5 (MANE Select); 3 bases into the intron after coding-DNA position 1501, G replaced by C.
Molecular consequence: intron variant.
Genome position (GRCh38, 1-based): chr9:137,758,014, G>C. VCF-style: chr9-137758014-G-C. GRCh37 (hg19) VCF-style: chr9-140652466-G-C.
Other names: c.1480+3G>C (NM_001354263.2); c.1408+3G>C (NM_001354259.2, NM_001354612.2); c.1501+3G>C (NM_001145527.2, NM_001354611.2).
Identifiers: ClinVar variation 2028893 (VCV002028893.4), dbSNP rs2541880496, ClinGen allele CA2580080984.

ClinVar aggregate classification (germline): Uncertain significance (1 of 4 stars; one submission).

Conditions:
Kleefstra syndrome 1 (KLEFS1). Identifiers: Orphanet 261494, MedGen C0795833, MONDO:0027407, OMIM 610253.

Submission:

Labcorp Genetics (formerly Invitae), Labcorp
Classification: Uncertain significance for Kleefstra syndrome 1. Last evaluated: 2022-09-03. Review status: criteria provided, single submitter. Criteria: Invitae Variant Classification Sherloc (09022015). Collection method: clinical testing. Allele origin: germline.
Comment: This sequence change falls in intron 9 of the EHMT1 gene. It does not directly change the encoded amino acid sequence of the EHMT1 protein. It affects a nucleotide within the consensus splice site. In summary, the available evidence is currently insufficient to determine the role of this variant in disease. Therefore, it has been classified as a Variant of Uncertain Significance. Variants that disrupt the consensus splice site are a relatively common cause of aberrant splicing (PMID: 17576681, 9536098). Algorithms developed to predict the effect of sequence changes on RNA splicing suggest that this variant may disrupt the consensus splice site. This variant has not been reported in the literature in individuals affected with EHMT1-related conditions. This variant is not present in population databases (gnomAD no frequency).

Literature cited by the submitters: PubMed 17576681; PubMed 9536098.